The following is an entry in ClinVar:

ClinVar aggregate classification (germline): Conflicting classifications of pathogenicity. Review status: criteria provided, conflicting classifications (1 of 4 stars). 8 submissions from 7 submitters: Uncertain significance (7); Likely benign (1). Last evaluated 2025-12-09.

Conditions:
Cardiovascular phenotype. Identifiers: MedGen CN230736.
Hypobetalipoproteinemia. Identifiers: Orphanet 31154, MedGen C0020597, MONDO:0017774.
Hypercholesterolemia, familial, 1. Also called: HYPERCHOLESTEROLEMIA, FAMILIAL, MODIFIER OF; LDL RECEPTOR DISORDER; Hyperlipoproteinemia Type IIa; HYPER-LOW-DENSITY-LIPOPROTEINEMIA; HYPERCHOLESTEROLEMIC XANTHOMATOSIS, FAMILIAL; Fredrickson type IIa hyperlipoproteinemia. Identifiers: Orphanet 391665, MedGen C0745103, MONDO:0007750, OMIM 143890.
Familial hypercholesterolemia. Also called: Familial hypercholesterolemias; Familial hypercholesterolaemia. Identifiers: MedGen C0020445, MONDO:0005439.
Hypercholesterolemia, autosomal dominant, 3 (FHCL3). Also called: Familial Hypercholesterolemia, Autosomal Dominant, 3; PCSK9-Related Familial Hypercholesterolemia, Autosomal Dominant; Familial hypercholesterolemia 3. Identifiers: MedGen C1863551, MONDO:0011369, OMIM 603776.

Allele frequency attached by ClinVar (database versions not stated): gnomAD 0.00004; gnomAD exomes 0.00006 and 0.00010; TOPMed 0.00006; ESP Exome Variant Server 0.00008; ExAC 0.00011.
gnomAD v4.1: 96 of 1,605,126 alleles (0.006%); highest among the groups gnomAD compares: East Asian, 0.027%; no homozygotes.

Submissions (8):

Labcorp Genetics (formerly Invitae), Labcorp
Classification: Uncertain significance for Hypercholesterolemia, autosomal dominant, 3. Last evaluated: 2025-12-09. Review status: criteria provided, single submitter. Criteria: Invitae Variant Classification Sherloc (09022015). Collection method: clinical testing. Allele origin: germline.
Comment: This sequence change replaces alanine, which is neutral and non-polar, with threonine, which is neutral and polar, at codon 598 of the PCSK9 protein (p.Ala598Thr). The frequency data for this variant in the population databases is considered unreliable, as metrics indicate poor data quality at this position in the gnomAD database. This missense change has been observed in individual(s) with isolated hypercholesterolemia and/or premature myocardial infarction (PMID: 30971288, 33303402). ClinVar contains an entry for this variant (Variation ID: 548105). Invitae Evidence Modeling of protein sequence and biophysical properties (such as structural, functional, and spatial information, amino acid conservation, physicochemical variation, residue mobility, and thermodynamic stability) indicates that this missense variant is not expected to disrupt PCSK9 protein function with a negative predictive value of 80%. In summary, the available evidence is currently insufficient to determine the role of this variant in disease. Therefore, it has been classified as a Variant of Uncertain Significance.

Color Diagnostics, LLC DBA Color Health
Classification: Uncertain significance for Familial hypercholesterolemia. Last evaluated: 2024-06-12. Review status: criteria provided, single submitter. Criteria: ACMG Guidelines, 2015. Collection method: clinical testing. Allele origin: germline.
Comment: This missense variant replaces alanine with threonine at codon 598 of the PCSK9 protein. Computational prediction tools indicate that this variant has a neutral impact on protein structure and function. To our knowledge, functional studies have not been reported for this variant. This variant has been reported in an individual affected with isolated hypercholesterolemia (PMID: 33303402) and in an individual affected with myocardial infarction (PMID: 30971288). This variant has been identified in 26/262780 chromosomes in the general population by the Genome Aggregation Database (gnomAD). The available evidence is insufficient to determine the role of this variant in disease conclusively. Therefore, this variant is classified as a Variant of Uncertain Significance.

All of Us Research Program, National Institutes of Health
Classification: Uncertain significance for Hypercholesterolemia, autosomal dominant, 3. Last evaluated: 2023-12-18. Review status: criteria provided, single submitter. Criteria: ACMG Guidelines, 2015. Collection method: clinical testing. Allele origin: germline. Inheritance: Autosomal dominant inheritance. Observed: 9 variant alleles, 9 heterozygotes.
Comment: This missense variant replaces alanine with threonine at codon 598 of the PCSK9 protein. Computational prediction suggests that this variant may not impact protein structure and function (internally defined REVEL score threshold <= 0.5, PMID: 27666373). Splice site prediction tools suggest that this variant may not impact RNA splicing. To our knowledge, functional studies have not been performed for this variant. This variant has been reported in an individual affected with myocardial infarction (PMID: 30971288). This variant has been identified in 26/262780 chromosomes in the general population by the Genome Aggregation Database (gnomAD). The available evidence is insufficient to determine the role of this variant in disease conclusively. Therefore, this variant is classified as a Variant of Uncertain Significance.

This study involves interpretation of variants in research participants for the purpose of population health screening. Participant phenotype was not available at the time of variant classification. Additional details can be found in publication PMID: 35346344, PMCID: PMC8962531

Ambry Genetics
Classification: Likely benign for Cardiovascular phenotype. Last evaluated: 2023-08-14. Review status: criteria provided, single submitter. Criteria: Ambry Variant Classification Scheme 2023. Collection method: clinical testing. Allele origin: germline.

Fulgent Genetics
Classification: Uncertain significance for Hypercholesterolemia, autosomal dominant, 3. Last evaluated: 2021-10-16. Review status: criteria provided, single submitter. Criteria: ACMG Guidelines, 2015. Collection method: clinical testing. Allele origin: unknown.

Illumina Laboratory Services, Illumina
Classification: Uncertain significance for Hypobetalipoproteinemia. Last evaluated: 2018-01-13. Review status: criteria provided, single submitter. Criteria: ICSL Variant Classification Criteria 13 December 2019. Collection method: clinical testing. Allele origin: germline.

Illumina Laboratory Services, Illumina
Classification: Uncertain significance for Hypercholesterolemia, autosomal dominant, 3. Last evaluated: 2018-01-13. Review status: criteria provided, single submitter. Criteria: ICSL Variant Classification Criteria 13 December 2019. Collection method: clinical testing. Allele origin: germline.

Robarts Research Institute, Western University
Classification: Uncertain significance for Hypercholesterolemia, familial, 1. Last evaluated: 2018-01-02. Review status: criteria provided, single submitter. Criteria: ACMG Guidelines, 2015. Collection method: clinical testing. Allele origin: germline. Inheritance: Autosomal dominant inheritance. Affected: yes.

Literature cited by the submitters: PubMed 30971288 (cited by 4 submitters); PubMed 33303402 (cited by Labcorp Genetics (formerly Invitae), Labcorp and Color Diagnostics, LLC DBA Color Health).

NM_174936.4(PCSK9):c.1792G>A (p.Ala598Thr)

Gene: PCSK9 (proprotein convertase subtilisin/kexin type 9; plus strand). Cytogenetic location: 1p32.3.
Variant type: single nucleotide variant.
Coding change: c.1792G>A on transcript NM_174936.4 (MANE Select); coding-DNA position 1792, G replaced by A.
Protein change: p.Ala598Thr; replaces alanine 598 with threonine.
Molecular consequence: missense variant.
Genome position (GRCh38, 1-based): chr1:55,061,485, G>A. VCF-style: chr1-55061485-G-A. GRCh37 (hg19) VCF-style: chr1-55527158-G-A.
Other names: c.1915G>A, p.Ala639Thr (NM_001407240.1); c.1834G>A, p.Ala612Thr (NM_001407241.1); c.1795G>A, p.Ala599Thr (NM_001407242.1); c.1735G>A, p.Ala579Thr (NM_001407243.1); c.1618G>A, p.Ala540Thr (NM_001407244.1); c.1600G>A, p.Ala534Thr (NM_001407245.1); c.1417G>A, p.Ala473Thr (NM_001407246.1); c.1291G>A, p.Ala431Thr (NM_001407247.1); short protein forms A598T, A473T, A612T, A534T, A579T, A599T, A639T, A431T.
Identifiers: ClinVar variation 548105 (VCV000548105.17), dbSNP rs367606156, ClinGen allele CA038919.
Genomic context (GRCh38, chr1:55,061,485, plus strand): 5'-GTGCTGAGGCCACGAGGTCAGCCCAACCAGTGCGTGGGCCACAGGGAGGCCAGCATCCAC[G>A]CTTCCTGCTGCCATGCCCCAGGTCTGGAATGCAAAGTCAAGGAGCATGGAATCCCGGCCC-3'
Protein context (NP_777596.2, residues 588-608): CVGHREASIH[Ala598Thr]SCCHAPGLEC